The following is an entry in ClinVar:

NM_000748.3(CHRNB2):c.892G>A (p.Gly298Ser)

Gene: CHRNB2 (cholinergic receptor nicotinic beta 2 subunit; plus strand). Cytogenetic location: 1q21.3.
Variant type: single nucleotide variant.
Coding change: c.892G>A on transcript NM_000748.3 (MANE Select); coding-DNA position 892, G replaced by A.
Protein change: p.Gly298Ser; replaces glycine 298 with serine.
Molecular consequence: missense variant.
Genome position (GRCh38, 1-based): chr1:154,571,715, G>A. VCF-style: chr1-154571715-G-A. GRCh37 (hg19) VCF-style: chr1-154544191-G-A.
Other names: short protein forms G298S.
Identifiers: ClinVar variation 569750 (VCV000569750.9), dbSNP rs754992449, ClinGen allele CA1130792.
Genomic context (GRCh38, chr1:154,571,715, plus strand): 5'-GTCTTCCTGCTGCTCATCTCCAAGATCGTGCCTCCCACCTCCCTCGACGTGCCGCTCGTC[G>A]GCAAGTACCTCATGTTCACCATGGTGCTTGTCACCTTCTCCATCGTCACCAGCGTGTGCG-3'
Protein context (NP_000739.1, residues 288-308): PPTSLDVPLV[Gly298Ser]KYLMFTMVLV

ClinVar aggregate classification (germline): Uncertain significance. Review status: criteria provided, multiple submitters, no conflicts (2 of 4 stars). 2 submissions from 2 submitters: Uncertain significance (2). Last evaluated 2026-01-25.

Conditions:
Familial sleep-related hypermotor epilepsy. Also called: Autosomal Dominant Sleep-Related Hypermotor (Hyperkinetic) Epilepsy. Identifiers: Orphanet 98784, MedGen C3696898, MONDO:0000030.
Inborn genetic diseases. Identifiers: MedGen C0950123, MeSH D030342.

Allele frequency attached by ClinVar (database versions not stated): ExAC 0.00002; gnomAD exomes 0.00001; TOPMed below 0.00001.

Submissions (2):

Labcorp Genetics (formerly Invitae), Labcorp
Classification: Uncertain significance. Last evaluated: 2026-01-25. Review status: criteria provided, single submitter. Criteria: Invitae Variant Classification Sherloc (09022015). Collection method: clinical testing. Allele origin: germline.
Comment: This sequence change replaces glycine, which is neutral and non-polar, with serine, which is neutral and polar, at codon 298 of the CHRNB2 protein (p.Gly298Ser). This variant is present in population databases (rs754992449, gnomAD 0.006%). This variant has not been reported in the literature in individuals affected with CHRNB2-related conditions. ClinVar contains an entry for this variant (Variation ID: 569750). Invitae Evidence Modeling of protein sequence and biophysical properties (such as structural, functional, and spatial information, amino acid conservation, physicochemical variation, residue mobility, and thermodynamic stability) indicates that this missense variant is not expected to disrupt CHRNB2 protein function with a negative predictive value of 80%. In summary, the available evidence is currently insufficient to determine the role of this variant in disease. Therefore, it has been classified as a Variant of Uncertain Significance.

Ambry Genetics
Classification: Uncertain significance for Inborn genetic diseases. Last evaluated: 2023-12-13. Review status: criteria provided, single submitter. Criteria: Ambry Variant Classification Scheme 2023. Collection method: clinical testing. Allele origin: germline.